The following is an entry in ClinVar:

NM_152564.5(VPS13B):c.7480G>T (p.Glu2494Ter)

Gene: VPS13B (vacuolar protein sorting 13 homolog B; plus strand). Cytogenetic location: 8q22.2.
Variant type: single nucleotide variant.
Coding change: c.7480G>T on transcript NM_152564.5 (MANE Select); coding-DNA position 7480, G replaced by T.
Protein change: p.Glu2494Ter; replaces glutamic acid 2494 with a stop codon.
Molecular consequence: nonsense.
Genome position (GRCh38, 1-based): chr8:99,778,732, G>T. VCF-style: chr8-99778732-G-T. GRCh37 (hg19) VCF-style: chr8-100790960-G-T.
Other names: c.7555G>T, p.Glu2519Ter (NM_017890.5); short protein forms E2494*, E2519*.
Identifiers: ClinVar variation 1724979 (VCV001724979.2), dbSNP rs2491842001, ClinGen allele CA371876041.

ClinVar aggregate classification (germline): Likely pathogenic (1 of 4 stars; one submission).

Conditions:
Cohen syndrome (COH1). Also called: PEPPER SYNDROME; Cutis verticis gyrata, retinitis pigmentosa, and sensorineural deafness. Identifiers: Orphanet 193, MedGen C0265223, MONDO:0008999, OMIM 216550.

Submission:

Myriad Genetics, Inc.
Classification: Likely pathogenic for Cohen syndrome. Last evaluated: 2022-03-03. Review status: criteria provided, single submitter. Criteria: Myriad Women's Health Autosomal Recessive and X-Linked Classification Criteria (2021). Collection method: clinical testing. Allele origin: unknown.
Comment: NM_017890.4(VPS13B):c.7555G>T(E2519*) is expected to be pathogenic in the context of Cohen syndrome. This variant is predicted to lead to an abnormal or absent protein product due to the creation of a premature termination codon in VPS13B, a gene where loss-of-function variants are known to be pathogenic. Please note: this variant was assessed in the context of healthy population screening.